The following is an entry in ClinVar:

NM_000044.6(AR):c.2143C>A (p.His715Asn)

Gene: AR (androgen receptor; plus strand). Cytogenetic location: Xq12.
Variant type: single nucleotide variant.
Coding change: c.2143C>A on transcript NM_000044.6 (MANE Select); coding-DNA position 2143, C replaced by A.
Protein change: p.His715Asn; replaces histidine 715 with asparagine.
Molecular consequence: missense variant.
Genome position (GRCh38, 1-based): chrX:67,711,659, C>A. VCF-style: chrX-67711659-C-A. GRCh37 (hg19) VCF-style: chrX-66931501-C-A.
Other names: c.547C>A, p.His183Asn (NM_001011645.3); short protein forms H183N, H715N.
Identifiers: ClinVar variation 3902201 (VCV003902201.1).

ClinVar aggregate classification (germline): Uncertain significance (1 of 4 stars; one submission).

gnomAD v4.1: 1 of 1,207,280 alleles (0.000083%); highest among the groups gnomAD compares: Non-Finnish European, 0.00011%; no homozygotes.

Submission:

Women's Health and Genetics/Laboratory Corporation of America, LabCorp
Classification: Uncertain significance. Last evaluated: 2025-05-14. Review status: criteria provided, single submitter. Criteria: LabCorp Variant Classification Summary - May 2015. Collection method: clinical testing. Allele origin: germline.
Comment: Variant summary: AR c.2143C>A (p.His715Asn) results in a conservative amino acid change in the encoded protein sequence. Algorithms developed to predict the effect of missense changes on protein structure and function are either unavailable or do not agree on the potential impact of this missense change. The variant was absent in 176136 control chromosomes. The available data on variant occurrences in the general population are insufficient to allow any conclusion about variant significance. These data do not allow any conclusion about variant significance. To our knowledge, no experimental evidence demonstrating an impact on protein function has been reported. The following publication has been ascertained in the context of this evaluation (PMID: 30411392). No submitters have cited clinical-significance assessments for this variant to ClinVar. Based on the evidence outlined above, the variant was classified as uncertain significance.

Literature cited by the submitters: PubMed 30411392.